The following is an entry in ClinVar:

NM_139125.4(MASP1):c.1959C>T (p.Tyr653=)

Gene: MASP1 (MBL associated serine protease 1; minus strand). Cytogenetic location: 3q27.3.
Variant type: single nucleotide variant.
Coding change: c.1959C>T on transcript NM_139125.4 (MANE Select); coding-DNA position 1959, C replaced by T.
Protein change: p.Tyr653=; no amino-acid change (tyrosine 653 retained).
Molecular consequence: synonymous variant. On other transcripts: non-coding transcript variant (1), intron variant (1).
Genome position (GRCh38, 1-based): chr3:187,235,912, G>A on the plus strand (C>T on the coding strand, the complement: MASP1 is on the minus strand). VCF-style: chr3-187235912-G-A. GRCh37 (hg19) VCF-style: chr3-186953700-G-A.
Other names: c.1303+5569C>T (NM_001879.6).
Identifiers: ClinVar variation 706108 (VCV000706108.30), dbSNP rs139958520, ClinGen allele CA2749131.

ClinVar aggregate classification (germline): Likely benign. Review status: criteria provided, multiple submitters, no conflicts (2 of 4 stars). 3 submissions from 3 submitters: Likely benign (3). Last evaluated 2024-11-15.

Conditions:
3MC syndrome 1. Also called: MICHELS SYNDROME; CRANIOSYNOSTOSIS WITH LID ANOMALIES; OCULOPALATOSKELETAL SYNDROME. Identifiers: Orphanet 293843, MedGen C0796059, MONDO:0009770, OMIM 257920.

Allele frequency attached by ClinVar (database versions not stated): ESP Exome Variant Server 0.00015; gnomAD exomes 0.00015; 1000 Genomes Project 30x 0.00016; ExAC 0.00016; TOPMed 0.00018; 1000 Genomes Project 0.00020; gnomAD 0.00029 and 0.00031.
gnomAD v4.1: 181 of 1,614,226 alleles (0.011%); highest among the groups gnomAD compares: Admixed American, 0.073%; 1 homozygote.

Submissions (3):

Blueprint Genetics
Classification: Likely benign. Last evaluated: 2024-11-15. Review status: criteria provided, single submitter. Criteria: ACMG Guidelines, 2015. Collection method: clinical testing. Allele origin: germline.

Labcorp Genetics (formerly Invitae), Labcorp
Classification: Likely benign for 3MC syndrome 1. Last evaluated: 2024-06-06. Review status: criteria provided, single submitter. Criteria: Invitae Variant Classification Sherloc (09022015). Collection method: clinical testing. Allele origin: germline.

CeGaT Center for Human Genetics Tuebingen
Classification: Likely benign. Last evaluated: 2023-11-01. Review status: criteria provided, single submitter. Criteria: CeGaT Center For Human Genetics Tuebingen Variant Classification Criteria Version 2. Collection method: clinical testing. Allele origin: germline. Affected: yes. Observed: 1 variant allele.
Comment: MASP1: BP4, BP7